The following is an entry in ClinVar:

NM_000540.3(RYR1):c.7835+75_7836-67dup

Gene: RYR1 (ryanodine receptor 1; plus strand). Cytogenetic location: 19q13.2.
Variant type: Duplication.
Coding change: c.7835+75_7836-67dup on transcript NM_000540.3 (MANE Select); 75 bases into the intron after coding-DNA position 7835 through 67 bases into the intron before coding-DNA position 7836, 12 bases duplicated (GGCAGGGGGAGG).
Molecular consequence: intron variant.
Genome position (GRCh38, 1-based): chr19:38,502,802-38,502,813, GGCAGGGGGAGG duplicated; duplicating any 12 consecutive bases within chr19:38,502,799-38,502,813 gives the same sequence; the c. name uses the placement nearest the transcript's 3' end. VCF-style (leftmost placement, unchanged base first): chr19-38502798-C-CAGGGGCAGGGGG. GRCh37 (hg19) VCF-style: chr19-38993438-C-CAGGGGCAGGGGG.
Other names: c.7835+75_7836-67dup (NM_001042723.2).
Identifiers: ClinVar variation 4852736 (VCV004852736.2).

ClinVar aggregate classification (germline): Benign (1 of 4 stars; one submission).

Submission:

Dasa
Classification: Benign. Last evaluated: 2025-12-29. Review status: criteria provided, single submitter. Criteria: DASA Assertion Criteria. Collection method: clinical testing. Allele origin: germline.
Comment: NM_000540.3(RYR1):c.7835+75_7836-67dup is an intronic variant. Population frequency is inconsistent with a disease-causing role for this variant, and observations in unaffected individuals support a benign interpretation. Therefore, based on the currently available evidence, this variant is classified as benign.